The following is an entry in ClinVar:

ClinVar aggregate classification (germline): Likely benign (1 of 4 stars; one submission).

Allele frequency attached by ClinVar (database versions not stated): gnomAD 0.00692 and 0.00734; TOPMed 0.00760; 1000 Genomes Project 0.00779; 1000 Genomes Project 30x 0.00796.
gnomAD v4.1: 1,040 of 152,186 alleles (0.68%); highest among the groups gnomAD compares: African/African-American, 2.4%; 11 homozygotes.

Submission:

GeneDx
Classification: Likely benign. Last evaluated: 2018-06-14. Review status: criteria provided, single submitter. Criteria: GeneDx Variant Classification (06012015). Collection method: clinical testing. Allele origin: germline. Affected: yes.
Comment: This variant is considered likely benign or benign based on one or more of the following criteria: it is a conservative change, it occurs at a poorly conserved position in the protein, it is predicted to be benign by multiple in silico algorithms, and/or has population frequency not consistent with disease.

NM_006393.3(NEBL):c.1962+250G>A

Gene: NEBL (nebulette; minus strand). Cytogenetic location: 10p12.31.
Variant type: single nucleotide variant.
Coding change: c.1962+250G>A on transcript NM_006393.3 (MANE Select); 250 bases into the intron after coding-DNA position 1962, G replaced by A.
Molecular consequence: intron variant.
Genome position (GRCh38, 1-based): chr10:20,822,958, C>T on the plus strand (G>A on the coding strand, the complement: NEBL is on the minus strand). VCF-style: chr10-20822958-C-T. GRCh37 (hg19) VCF-style: chr10-21111887-C-T.
Other names: c.250-10018G>A (NM_001377326.1, NM_001377327.1, NM_001377328.1); c.358-10018G>A (NM_213569.2, NM_001173484.2, NM_001377322.1); c.301-10018G>A (NM_001377324.1); c.292-10018G>A (NM_001377325.1); c.310-10018G>A (NM_001377323.1).
Identifiers: ClinVar variation 678611 (VCV000678611.1), dbSNP rs140434528, ClinGen allele CA204162915.